The following is an entry in ClinVar:

ClinVar aggregate classification (germline): Likely benign. Review status: criteria provided, multiple submitters, no conflicts (2 of 4 stars). 3 submissions from 3 submitters: Likely benign (2). 1 of the submissions does not count toward it. Last evaluated 2025-12-23.

Conditions:
SPEG-related disorder. Also called: SPEG-related condition.

Allele frequency attached by ClinVar (database versions not stated): gnomAD exomes below 0.00001 and 0.00001; gnomAD 0.00002; TOPMed 0.00002.
gnomAD v4.1: 21 of 1,612,202 alleles (0.0013%); highest among the groups gnomAD compares: African/African-American, 0.0067%; no homozygotes.

Submissions (3):

Labcorp Genetics (formerly Invitae), Labcorp
Classification: Likely benign. Last evaluated: 2025-12-23. Review status: criteria provided, single submitter. Criteria: Invitae Variant Classification Sherloc (09022015). Collection method: clinical testing. Allele origin: germline.

Blueprint Genetics
Classification: Likely benign. Last evaluated: 2024-03-07. Review status: criteria provided, single submitter. Criteria: ACMG Guidelines, 2015. Collection method: clinical testing. Allele origin: germline.

PreventionGenetics, part of Exact Sciences
Classification: Likely benign for SPEG-related condition. Last evaluated: 2019-03-13. Review status: no assertion criteria provided. Collection method: clinical testing. Allele origin: germline. Not counted in ClinVar's aggregate classification.
Comment: This variant is classified as likely benign based on ACMG/AMP sequence variant interpretation guidelines (Richards et al. 2015 PMID: 25741868, with internal and published modifications).

NM_005876.5(SPEG):c.3057C>T (p.Phe1019=)

Gene: SPEG (striated muscle enriched protein kinase; plus strand). Cytogenetic location: 2q35.
Variant type: single nucleotide variant.
Coding change: c.3057C>T on transcript NM_005876.5 (MANE Select); coding-DNA position 3057, C replaced by T.
Protein change: p.Phe1019=; no amino-acid change (phenylalanine 1019 retained).
Molecular consequence: synonymous variant.
Genome position (GRCh38, 1-based): chr2:219,467,349, C>T. VCF-style: chr2-219467349-C-T. GRCh37 (hg19) VCF-style: chr2-220332071-C-T.
Other names: c.3057C>T (NM_005876.4).
Identifiers: ClinVar variation 1648282 (VCV001648282.11), dbSNP rs1028879990, ClinGen allele CA66016833.